The following is an entry in ClinVar:

ClinVar aggregate classification (germline): Uncertain significance (1 of 4 stars; one submission).

Allele frequency attached by ClinVar (database versions not stated): gnomAD 0.00002 and 0.00009; TOPMed 0.00003; ESP Exome Variant Server 0.00022; gnomAD exomes 0.00029; ExAC 0.00099; 1000 Genomes Project 0.00120; 1000 Genomes Project 30x 0.00125.

Submission:

Labcorp Genetics (formerly Invitae), Labcorp
Classification: Uncertain significance. Last evaluated: 2022-11-01. Review status: criteria provided, single submitter. Criteria: Invitae Variant Classification Sherloc (09022015). Collection method: clinical testing. Allele origin: germline.
Comment: In summary, the available evidence is currently insufficient to determine the role of this variant in disease. Therefore, it has been classified as a Variant of Uncertain Significance. Algorithms developed to predict the effect of missense changes on protein structure and function (SIFT, PolyPhen-2, Align-GVGD) all suggest that this variant is likely to be disruptive. ClinVar contains an entry for this variant (Variation ID: 1064871). This variant has not been reported in the literature in individuals affected with GCGR-related conditions. This variant is present in population databases (rs371217388, gnomAD 0.2%), and has an allele count higher than expected for a pathogenic variant. This sequence change replaces arginine, which is basic and polar, with histidine, which is basic and polar, at codon 225 of the GCGR protein (p.Arg225His).

NM_000160.5(GCGR):c.674G>A (p.Arg225His)

Gene: GCGR (glucagon receptor; plus strand). Cytogenetic location: 17q25.3.
Variant type: single nucleotide variant.
Coding change: c.674G>A on transcript NM_000160.5 (MANE Select); coding-DNA position 674, G replaced by A.
Protein change: p.Arg225His; replaces arginine 225 with histidine.
Molecular consequence: missense variant.
Genome position (GRCh38, 1-based): chr17:81,811,667, G>A. VCF-style: chr17-81811667-G-A. GRCh37 (hg19) VCF-style: chr17-79769543-G-A.
Other names: short protein forms R225H.
Identifiers: ClinVar variation 1064871 (VCV001064871.7), dbSNP rs371217388, ClinGen allele CA8842106.